The following is an entry in ClinVar:

ClinVar aggregate classification (germline): Uncertain significance (1 of 4 stars; one submission).

Conditions:
Welander distal myopathy (WDM). Also called: Gower's muscular dystrophy; MUSCULAR DYSTROPHY, DISTAL, LATE-ONSET, AUTOSOMAL DOMINANT; Welander distal myopathy, Swedish type; Distal myopathy, Swedish type. Identifiers: Orphanet 603, MedGen C0221054, MONDO:0011466, OMIM 604454.

Submission:

Labcorp Genetics (formerly Invitae), Labcorp
Classification: Uncertain significance for Welander distal myopathy. Last evaluated: 2021-09-15. Review status: criteria provided, single submitter. Criteria: Invitae Variant Classification Sherloc (09022015). Collection method: clinical testing. Allele origin: germline.
Comment: In summary, the available evidence is currently insufficient to determine the role of this variant in disease. Therefore, it has been classified as a Variant of Uncertain Significance. Algorithms developed to predict the effect of sequence changes on RNA splicing suggest that this variant may create or strengthen a splice site. Algorithms developed to predict the effect of missense changes on protein structure and function are either unavailable or do not agree on the potential impact of this missense change (SIFT: "Deleterious"; PolyPhen-2: "Benign"; Align-GVGD: "Class C0"). This variant has not been reported in the literature in individuals affected with TIA1-related conditions. This variant is not present in population databases (ExAC no frequency). This sequence change replaces tryptophan with cysteine at codon 353 of the TIA1 protein (p.Trp353Cys). The tryptophan residue is highly conserved and there is a large physicochemical difference between tryptophan and cysteine.

NM_022173.4(TIA1):c.1059G>T (p.Trp353Cys)

Gene: TIA1 (TIA1 cytotoxic granule associated RNA binding protein; minus strand). Cytogenetic location: 2p13.3.
Variant type: single nucleotide variant.
Coding change: c.1059G>T on transcript NM_022173.4 (MANE Select); coding-DNA position 1059, G replaced by T.
Protein change: p.Trp353Cys; replaces tryptophan 353 with cysteine.
Molecular consequence: missense variant. On other transcripts: non-coding transcript variant (17).
Genome position (GRCh38, 1-based): chr2:70,212,821, C>A on the plus strand (G>T on the coding strand, the complement: TIA1 is on the minus strand). VCF-style: chr2-70212821-C-A. GRCh37 (hg19) VCF-style: chr2-70439953-C-A.
Other names: c.1056G>T, p.Trp352Cys (NM_001351508.2); c.1032G>T, p.Trp344Cys (NM_001351509.2); c.1023G>T, p.Trp341Cys (NM_001351510.2); c.948G>T, p.Trp316Cys (NM_001351511.1); c.921G>T, p.Trp307Cys (NM_001351512.1); c.915G>T, p.Trp305Cys (NM_001351513.1); c.831G>T, p.Trp277Cys (NM_001351514.2); c.756G>T, p.Trp252Cys (NM_001351515.2); and 3 more; short protein forms W252C, W316C, W342C, W344C, W307C, W341C, W352C, W305C.
Identifiers: ClinVar variation 1413240 (VCV001413240.6), dbSNP rs1676840992, ClinGen allele CA347149384.